The following is an entry in ClinVar:

ClinVar aggregate classification (germline): Pathogenic (1 of 4 stars; one submission).

Conditions:
Neuronal ceroid lipofuscinosis 3 (CLN3). Identifiers: Orphanet 228346, MedGen C0751383, MONDO:0008767, OMIM 204200.

Submission:

Kasturba Medical College, Manipal, Kasturba Medical College, Manipal, Manipal Academy of Higher Education, Manipal, India
Classification: Pathogenic for Neuronal ceroid lipofuscinosis 3. Last evaluated: 2025-11-05. Review status: criteria provided, single submitter. Criteria: ACMG/ClinGen CNV Guidelines, 2019. Collection method: research. Allele origin: biparental. Inheritance: Autosomal dominant inheritance. Affected: yes. Observed: 1 heterozygote.
Comment: This CNV is not seen in the population database like gnomAD and Database of Genomic Variants (DGV). Segregation and validation for this duplication was done by qPCR. Biallelic loss-of-function variants in CLN3 are known to cause ceroid lipofuscinosis, neuronal, 3 (MIM #204200). The above-mentioned duplication if in tandem is likely to result in gene disruption and thus impaired protein function.

Single allele

Gene: CLN3 (CLN3 lysosomal/endosomal transmembrane protein, battenin; minus strand). Cytogenetic location: 16p12.1.
Variant type: Duplication.
Identifiers: ClinVar variation 4526868 (VCV004526868.1).